The following is an entry in ClinVar:

NM_004360.5(CDH1):c.32TGC[6] (p.Leu15dup)

Gene: CDH1 (cadherin 1; plus strand). Cytogenetic location: 16q22.1.
Variant type: Microsatellite.
Coding change: c.32TGC[6] on transcript NM_004360.5 (MANE Select); six copies in a row of the 3-base unit TGC starting at c.32; the reference has five copies in a row; one copy, 3 bases duplicated; also written c.44_46dup.
Protein change: p.Leu15dup; duplicates leucine 15.
Molecular consequence: inframe insertion. On other transcripts: 5 prime UTR variant (2).
Genome position (GRCh38, 1-based): chr16:68,737,459-68,737,461, TGC duplicated; duplicating any 3 consecutive bases within chr16:68,737,445-68,737,461 gives the same sequence; the position shown is the placement nearest the transcript's 3' end. VCF-style (leftmost placement, unchanged base first): chr16-68737444-C-CGCT. GRCh37 (hg19) VCF-style: chr16-68771347-C-CGCT.
Other names: c.44_46dup (NM_004360.3, NM_004360.5); c.32TGC[6], p.Leu15dup (NM_001317184.2); c.-1584TGC[6] (NM_001317185.2); c.-1788TGC[6] (NM_001317186.2); c.32_34TGC[6] (NM_004360.5); c.44_46dupTGC (NM_004360.5).
Identifiers: ClinVar variation 220798 (VCV000220798.36), dbSNP rs587782476, ClinGen allele CA350272.

ClinVar aggregate classification (germline): Likely benign. Review status: reviewed by expert panel (3 of 4 stars). 12 submissions from 12 submitters: Likely benign (1). 11 of the submissions do not count toward it. Last evaluated 2023-08-17.

Conditions:
CDH1-related diffuse gastric and lobular breast cancer syndrome. Also called: CDH1-related diffuse gastric and lobular breast cancer. Identifiers: MedGen CN311521, MONDO:0100488.
Hereditary cancer-predisposing syndrome. Also called: Tumor predisposition; Hereditary neoplastic syndrome; Neoplastic Syndromes, Hereditary; Hereditary Cancer Syndrome. Identifiers: Orphanet 140162, MedGen C0027672, MeSH D009386, MONDO:0015356.
Hereditary diffuse gastric adenocarcinoma (HDGC). Also called: DIFFUSE GASTRIC AND LOBULAR BREAST CANCER SYNDROME. Identifiers: Orphanet 26106, MedGen C1708349, MONDO:0007648, OMIM 137215.

Submissions (12):

Clingen Gastric Cancer Variant Curation Expert Panel
Classification: Likely benign for CDH1-related diffuse gastric and lobular breast cancer syndrome. Last evaluated: 2023-08-17. Review status: reviewed by expert panel. Criteria: ClinGen CDH1 ACMG Specifications V3.1. Collection method: curation. Allele origin: germline. Inheritance: Autosomal dominant inheritance.
Comment: The c.32_34TGC[6] (p.Leu15dup), also referred to as 46insTGC, results in the in-frame insertion of a leucine residue in exon 1. This variant has been observed in more than 10 individuals with DGC, SRC tumours or LBC and whose families do not suggest HDGC (BS2; SCV000566421.3, SCV000261647.7). This variant has also been reported in the literature in an HDGC family, but it is not known whether this family meets current IGCLC criteria (PMID: 20373070). In summary, this variant meets criteria to be classified as likely benign based on ACMG/AMP criteria applied as specified by the CDH1 Variant Curation Expert Panel (Variant Interpretation Guidelines Version 3.1): BS2.

Labcorp Genetics (formerly Invitae), Labcorp
Classification: Likely benign for Hereditary diffuse gastric adenocarcinoma. Last evaluated: 2026-01-24. Review status: criteria provided, single submitter. Criteria: Invitae Variant Classification Sherloc (09022015). Collection method: clinical testing. Allele origin: germline. Not counted in ClinVar's aggregate classification.

Center for Genomic Medicine, Rigshospitalet, Copenhagen University Hospital
Classification: Likely benign. Last evaluated: 2025-12-29. Review status: criteria provided, single submitter. Criteria: ACMG Guidelines, 2015. Collection method: clinical testing. Allele origin: germline. Not counted in ClinVar's aggregate classification.

Women's Health and Genetics/Laboratory Corporation of America, LabCorp
Classification: Benign. Last evaluated: 2025-07-10. Review status: criteria provided, single submitter. Criteria: LabCorp Variant Classification Summary - May 2015. Collection method: clinical testing. Allele origin: germline. Not counted in ClinVar's aggregate classification.
Comment: Variant summary: CDH1 c.44_46dupTGC (p.Leu15dup) results in an in-frame duplication that is predicted to duplicate 1 amino acid into the encoded protein in a repeat region. Consensus agreement among computation tools predict no significant impact on normal splicing. However, these predictions have yet to be confirmed by functional studies. The variant allele was found at a frequency of 3.6e-05 in 1489836 control chromosomes. The observed variant frequency is approximately 1.28 fold of the estimated maximal expected allele frequency for a pathogenic variant in CDH1 causing Hereditary Diffuse Gastric Cancer phenotype (2.8e-05). c.44_46dupTGC has been observed in several individual(s) affected with breast cancer, Hereditary Diffuse Gastric Cancer, and other cancer(s), however there was no reported evidence of segregation with disease (example, Conroy_2021, Guilford_2010, Rodriguez_2020, de Oliveira_2022). These report(s) do not provide unequivocal conclusions about association of the variant with CDH1-related conditions. To our knowledge, no experimental evidence demonstrating an impact on protein function has been reported. The following publications have been ascertained in the context of this evaluation (PMID: 33809393, 34855780, 29470806, 36600593, 36550207, 20373070, 31786208, 36243179, 38566764, 35534704, 26182300, 22225527, 30068367, 33773808). ClinVar contains an entry for this variant (Variation ID: 220798). Based on the evidence outlined above, the variant was classified as benign.

Color Diagnostics, LLC DBA Color Health
Classification: Likely benign for Hereditary cancer-predisposing syndrome. Last evaluated: 2025-05-21. Review status: criteria provided, single submitter. Criteria: ACMG Guidelines, 2015. Collection method: clinical testing. Allele origin: germline. Not counted in ClinVar's aggregate classification.

GeneDx
Classification: Uncertain significance. Last evaluated: 2023-08-09. Review status: criteria provided, single submitter. Criteria: GeneDx Variant Classification Process June 2021. Collection method: clinical testing. Allele origin: germline. Affected: yes. Not counted in ClinVar's aggregate classification.
Comment: Not observed at significant frequency in large population cohorts (gnomAD); In-frame insertion of 1 amino acid in a repetitive region with no known function; Observed in a hereditary diffuse gastric cancer (HDGC) family as well as individuals with personal or family history of breast cancer (Guilford et al., 2010; Rodriguez-Balada et al., 2020; Garcia-Pelaez et al., 2023); This variant is associated with the following publications: (PMID: 15235021, 22225527, 20373070, 30068367, 31786208, 34855780, 36436516, 36243179, 32980694)

Quest Diagnostics Nichols Institute San Juan Capistrano
Classification: Uncertain significance. Last evaluated: 2023-05-26. Review status: criteria provided, single submitter. Criteria: Quest Diagnostics criteria. Collection method: clinical testing. Allele origin: unknown. Not counted in ClinVar's aggregate classification.
Comment: In the published literature, this variant has been reported in affected families with hereditary diffuse gastric cancer (PMID: 20373070 (2010)), as well as in an affected individual with breast cancer (PMID: 31786208 (2020)). The frequency of this variant in the general population, 0.000008 (1/124448 chromosomes (Genome Aggregation Database)), is uninformative in the assessment of its pathogenicity. Based on the available information, we are unable to determine the clinical significance of this variant.

Myriad Genetics, Inc.
Classification: Uncertain significance for Hereditary diffuse gastric adenocarcinoma. Last evaluated: 2023-05-08. Review status: criteria provided, single submitter. Criteria: Myriad Autosomal Dominant, Autosomal Recessive and X-Linked Classification Criteria (2023). Collection method: clinical testing. Allele origin: unknown. Not counted in ClinVar's aggregate classification.
Comment: This variant is classified as a variant of uncertain significance as there is insufficient evidence to determine its impact on protein function and/or cancer risk.

European Reference Network on Genetic Tumour Risk Syndromes (ERN-GENTURIS), i3s - Instituto de Investigação e Inovação em Saúde, University of Porto
Classification: Uncertain significance for Hereditary diffuse gastric adenocarcinoma. Last evaluated: 2022-08-01. Review status: criteria provided, single submitter. Criteria: Lee et al. (Hum Mutat. 2018). Collection method: clinical testing. Allele origin: germline. Inheritance: Autosomal dominant inheritance. Affected: no. Study: ERN GENTURIS. Not counted in ClinVar's aggregate classification.
Comment: PM2 (PMID: 30311375)

Ambry Genetics
Classification: Likely benign for Hereditary cancer-predisposing syndrome. Last evaluated: 2022-03-05. Review status: criteria provided, single submitter. Criteria: Ambry Variant Classification Scheme 2023. Collection method: clinical testing. Allele origin: germline. Not counted in ClinVar's aggregate classification.

Sema4
Classification: Uncertain significance for Hereditary cancer-predisposing syndrome. Last evaluated: 2021-07-23. Review status: criteria provided, single submitter. Criteria: Sema4 Curation Guidelines. Collection method: curation. Allele origin: germline. Not counted in ClinVar's aggregate classification.
Comment: The CDH1 c.44_46dupTGC (p.L15dup) variant (also known as 46insTGC) has been reported in heterozygosity in at least two individuals with hereditary diffuse gastric cancer or breast cancer (PMID: 20373070, 31786208). However, it has also been reported in the control cohort of a large case-control dataset studying pancreatic cancer (PMID: 32980694). This variant was observed in 1/21364 chromosomes in the South Asian population according to the Genome Aggregation Database (PMID: 32461654) and has been reported in ClinVar (Variation ID: 220798). This in-frame insertion of 1 amino acid is located in a repetitive region with no known function. There is no indication that this variant causes disease, but the evidence is insufficient currently to prove that conclusively. Based on the current evidence available, this variant is interpreted as a variant of uncertain significance.

Counsyl
Classification: Uncertain significance for Hereditary diffuse gastric adenocarcinoma. Last evaluated: 2016-10-10. Review status: no assertion criteria provided. Collection method: clinical testing. Allele origin: unknown. Not counted in ClinVar's aggregate classification.

Literature cited by the submitters: PubMed 22225527 (cited by Women's Health and Genetics/Laboratory Corporation of America, LabCorp); PubMed 20373070 (cited by 5 submitters); PubMed 26182300 (cited by Women's Health and Genetics/Laboratory Corporation of America, LabCorp); PubMed 29470806 (cited by Women's Health and Genetics/Laboratory Corporation of America, LabCorp); PubMed 31786208 (cited by 4 submitters); PubMed 33773808 (cited by Women's Health and Genetics/Laboratory Corporation of America, LabCorp); PubMed 33809393 (cited by Women's Health and Genetics/Laboratory Corporation of America, LabCorp); PubMed 36243179 (cited by Women's Health and Genetics/Laboratory Corporation of America, LabCorp); PubMed 35534704 (cited by Women's Health and Genetics/Laboratory Corporation of America, LabCorp); PubMed 38566764 (cited by Women's Health and Genetics/Laboratory Corporation of America, LabCorp); PubMed 30068367 (cited by Women's Health and Genetics/Laboratory Corporation of America, LabCorp); PubMed 36550207 (cited by Women's Health and Genetics/Laboratory Corporation of America, LabCorp); PubMed 36600593 (cited by Women's Health and Genetics/Laboratory Corporation of America, LabCorp); PubMed 34855780 (cited by Women's Health and Genetics/Laboratory Corporation of America, LabCorp); PubMed 32980694 (cited by Quest Diagnostics Nichols Institute San Juan Capistrano and Sema4); PubMed 36436516 (cited by European Reference Network on Genetic Tumour Risk Syndromes (ERN-GENTURIS), i3s - Instituto de Investigação e Inovação em Saúde, University of Porto).